The following is an entry in ClinVar:

ClinVar aggregate classification (germline): Pathogenic/Likely pathogenic. Review status: criteria provided, multiple submitters, no conflicts (2 of 4 stars). 2 submissions from 2 submitters: Pathogenic (1); Likely pathogenic (1). Last evaluated 2022-01-11.

Conditions:
Cardiovascular phenotype. Identifiers: MedGen CN230736.
Hereditary cancer-predisposing syndrome. Also called: Neoplastic Syndromes, Hereditary; Tumor predisposition; Hereditary Cancer Syndrome; Hereditary neoplastic syndrome. Identifiers: Orphanet 140162, MedGen C0027672, MeSH D009386, MONDO:0015356.

Submissions (2):

Revvity Omics, Revvity
Classification: Likely pathogenic. Last evaluated: 2022-01-11. Review status: criteria provided, single submitter. Criteria: ACMG Guidelines, 2015. Collection method: clinical testing. Allele origin: germline.

Ambry Genetics
Classification: Pathogenic for Cardiovascular phenotype; Hereditary cancer-predisposing syndrome. Last evaluated: 2021-04-06. Review status: criteria provided, single submitter. Criteria: Ambry Variant Classification Scheme 2023. Collection method: clinical testing. Allele origin: germline.
Comment: The c.1754delT pathogenic mutation, located in coding exon 16 of the NF1 gene, results from a deletion of one nucleotide at nucleotide position 1754, causing a translational frameshift with a predicted alternate stop codon (p.L585*). This alteration is expected to result in loss of function by premature protein truncation or nonsense-mediated mRNA decay. As such, this alteration is interpreted as a disease-causing mutation.

NM_001042492.3(NF1):c.1754del (p.Lys584_Leu585insTer)

Gene: NF1 (neurofibromin 1; plus strand). Cytogenetic location: 17q11.2.
Variant type: Deletion.
Coding change: c.1754del on transcript NM_001042492.3 (MANE Select); coding-DNA position 1754, one base deleted (T; older notation c.1754delT).
Protein change: p.Lys584_Leu585insTer.
Molecular consequence: nonsense. On other transcripts: frameshift variant (1).
Genome position (GRCh38, 1-based): chr17:31,223,476, T deleted; the last of 2 consecutive T bases (chr17:31,223,475-31,223,476); deleting either gives the same sequence. VCF-style (leftmost placement, unchanged base first): chr17-31223474-AT-A. GRCh37 (hg19) VCF-style: chr17-29550492-AT-A.
Other names: c.1754delT (NM_000267.3); c.1754delT, p.Leu585Terfs (NM_000267.4).
Identifiers: ClinVar variation 1779447 (VCV001779447.5), dbSNP rs2508125114, ClinGen allele CA2580092826.
Genomic context (GRCh38, chr17:31,223,474, plus strand): 5'-CTAGTAACAATGAACTTTATGTTACTGCAGCTCACAAATGCTTTTTTACATCTGCAAGAA[AT>A]TAACTAGTCATCAAATGCTTAGTAGCACAGAAATTCTCAAGTGGTTGCGGGAAATATTGA-3'